The following is an entry in ClinVar:

NM_033100.4(CDHR1):c.1792G>A (p.Glu598Lys)

Gene: CDHR1 (cadherin related family member 1; plus strand). Cytogenetic location: 10q23.1.
Variant type: single nucleotide variant.
Coding change: c.1792G>A on transcript NM_033100.4 (MANE Select); coding-DNA position 1792, G replaced by A.
Protein change: p.Glu598Lys; replaces glutamic acid 598 with lysine.
Molecular consequence: missense variant.
Genome position (GRCh38, 1-based): chr10:84,213,100, G>A. VCF-style: chr10-84213100-G-A. GRCh37 (hg19) VCF-style: chr10-85972856-G-A.
Other names: c.1792G>A (NM_033100.2); c.1792G>A, p.Glu598Lys (NM_001171971.3); short protein forms E598K.
Identifiers: ClinVar variation 729686 (VCV000729686.16), dbSNP rs114754869, ClinGen allele CA5580060.
Genomic context (GRCh38, chr10:84,213,100, plus strand): 5'-CACAAGGATTGTCCCCAAAGCCCAGCTCTGTCTGTCTCTCCCTGCGCACAGGCCATAGAC[G>A]AGGATGCAGAGGAACCCAACAACCTGGTGGACTATTCCATCACCCATGCAGAGCCCGCCA-3'
Protein context (NP_149091.1, residues 588-608): GTPVKIEAID[Glu598Lys]DAEEPNNLVD

ClinVar aggregate classification (germline): Conflicting classifications of pathogenicity. Review status: criteria provided, conflicting classifications (1 of 4 stars). 7 submissions from 7 submitters: Uncertain significance (1); Likely benign (3). 3 of the submissions do not count toward it. Last evaluated 2026-01-05.

Conditions:
Inborn genetic diseases. Identifiers: MedGen C0950123, MeSH D030342.
CDHR1-related disorder. Also called: CDHR1-related condition.

Allele frequency attached by ClinVar (database versions not stated): gnomAD exomes 0.00013 and 0.00042; ExAC 0.00054; 1000 Genomes Project 30x 0.00156; gnomAD 0.00156 and 0.00173; 1000 Genomes Project 0.00160; TOPMed 0.00184; ESP Exome Variant Server 0.00254.
gnomAD v4.1: 442 of 1,614,174 alleles (0.027%); highest among the groups gnomAD compares: African/African-American, 0.51%; 1 homozygote.

Submissions (7):

Labcorp Genetics (formerly Invitae), Labcorp
Classification: Likely benign. Last evaluated: 2026-01-05. Review status: criteria provided, single submitter. Criteria: Invitae Variant Classification Sherloc (09022015). Collection method: clinical testing. Allele origin: germline.

Ambry Genetics
Classification: Uncertain significance for Inborn genetic diseases. Last evaluated: 2025-06-11. Review status: criteria provided, single submitter. Criteria: Ambry Variant Classification Scheme 2023. Collection method: clinical testing. Allele origin: germline.

Blueprint Genetics
Classification: Likely benign. Last evaluated: 2024-09-26. Review status: criteria provided, single submitter. Criteria: ACMG Guidelines, 2015. Collection method: clinical testing. Allele origin: germline.

Breakthrough Genomics
Classification: Likely benign. Review status: criteria provided, single submitter. Criteria: ACMG Guidelines, 2015. Collection method: not provided. Allele origin: germline. Inheritance: Autosomal recessive inheritance. Affected: yes.

PreventionGenetics, part of Exact Sciences
Classification: Likely benign for CDHR1-related condition. Last evaluated: 2024-08-22. Review status: no assertion criteria provided. Collection method: clinical testing. Allele origin: germline. Not counted in ClinVar's aggregate classification.
Comment: This variant is classified as likely benign based on ACMG/AMP sequence variant interpretation guidelines (Richards et al. 2015 PMID: 25741868, with internal and published modifications).

Clinical Genetics DNA and cytogenetics Diagnostics Lab, Erasmus MC, Erasmus Medical Center
Classification: Likely benign. Review status: no assertion criteria provided. Collection method: clinical testing. Allele origin: germline. Affected: yes. Study: VKGL Data-share Consensus. Not counted in ClinVar's aggregate classification.

Clinical Genetics, Academic Medical Center
Classification: Likely benign. Review status: no assertion criteria provided. Collection method: clinical testing. Allele origin: germline. Affected: yes. Study: VKGL Data-share Consensus. Not counted in ClinVar's aggregate classification.